The following is an entry in ClinVar:

ClinVar aggregate classification (germline): Uncertain significance (1 of 4 stars; one submission).

Conditions:
Hereditary cancer-predisposing syndrome. Also called: Neoplastic Syndromes, Hereditary; Tumor predisposition; Hereditary neoplastic syndrome; Hereditary Cancer Syndrome. Identifiers: Orphanet 140162, MedGen C0027672, MeSH D009386, MONDO:0015356.

Submission:

Ambry Genetics
Classification: Uncertain significance for Hereditary cancer-predisposing syndrome. Last evaluated: 2026-07-06. Review status: criteria provided, single submitter. Criteria: Ambry Variant Classification Scheme 2023. Collection method: clinical testing. Allele origin: germline.
Comment: The p.A652G variant (also known as c.1955C>G), located in coding exon 12 of the SMARCA4 gene, results from a C to G substitution at nucleotide position 1955. The alanine at codon 652 is replaced by glycine, an amino acid with similar properties. This amino acid position is conserved. In addition, this alteration is predicted to be tolerated by in silico analysis. Based on the available evidence, the clinical significance of this variant remains unclear.

NM_003072.5(SMARCA4):c.1955C>G (p.Ala652Gly)

Gene: SMARCA4 (SWI/SNF related BAF chromatin remodeling complex subunit ATPase 4; plus strand). Cytogenetic location: 19p13.2.
Variant type: single nucleotide variant.
Coding change: c.1955C>G on transcript NM_003072.5 (MANE Select); coding-DNA position 1955, C replaced by G.
Protein change: p.Ala652Gly; replaces alanine 652 with glycine.
Molecular consequence: missense variant. On other transcripts: non-coding transcript variant (1).
Genome position (GRCh38, 1-based): chr19:11,003,351, C>G. VCF-style: chr19-11003351-C-G. GRCh37 (hg19) VCF-style: chr19-11114027-C-G.
Other names: c.1955C>G, p.Ala652Gly (NM_001128844.3, NM_001128845.2, NM_001128846.2 and 6 more transcripts); short protein forms A652G.
Identifiers: ClinVar variation 5029833 (VCV005029833.1).